The following is an entry in ClinVar:

ClinVar aggregate classification (germline): Uncertain significance (1 of 4 stars; one submission).

Submission:

Labcorp Genetics (formerly Invitae), Labcorp
Classification: Uncertain significance. Last evaluated: 2024-06-10. Review status: criteria provided, single submitter. Criteria: Invitae Variant Classification Sherloc (09022015). Collection method: clinical testing. Allele origin: germline.
Comment: This sequence change replaces alanine, which is neutral and non-polar, with glutamic acid, which is acidic and polar, at codon 498 of the COQ8B protein (p.Ala498Glu). This variant is present in population databases (no rsID available, gnomAD 0.007%). This missense change has been observed in individual(s) with nephrotic syndrome (PMID: 25967120). An algorithm developed to predict the effect of missense changes on protein structure and function (PolyPhen-2) suggests that this variant is likely to be tolerated. In summary, the available evidence is currently insufficient to determine the role of this variant in disease. Therefore, it has been classified as a Variant of Uncertain Significance.

Literature cited by the submitters: PubMed 25967120.

NM_024876.4(COQ8B):c.1493_1494delinsAA (p.Ala498Glu)

Gene: COQ8B (coenzyme Q8B; minus strand). Cytogenetic location: 19q13.2.
Variant type: Indel.
Coding change: c.1493_1494delinsAA on transcript NM_024876.4 (MANE Select); coding-DNA positions 1493 to 1494, CC replaced by AA.
Protein change: p.Ala498Glu; replaces alanine 498 with glutamic acid.
Molecular consequence: missense variant.
Genome position (GRCh38, 1-based): chr19:40,692,176-40,692,177, GG replaced by TT on the plus strand (CC replaced by AA on the coding strand, the reverse complement: COQ8B is on the minus strand). VCF-style: chr19-40692176-GG-TT. GRCh37 (hg19) VCF-style: chr19-41198081-GG-TT.
Other names: c.1370_1371delinsAA, p.Ala457Glu (NM_001142555.3); short protein forms A457E, A498E.
Identifiers: ClinVar variation 3723570 (VCV003723570.2).